The following is an entry in ClinVar:

ClinVar aggregate classification (germline): Likely pathogenic (1 of 4 stars; one submission).

Conditions:
Developmental and epileptic encephalopathy, 42 (DEE42A). Also called: DEVELOPMENTAL AND EPILEPTIC ENCEPHALOPATHY 42A; EPILEPTIC ENCEPHALOPATHY, EARLY INFANTILE, 42A; Epileptic encephalopathy, early infantile, 42. Identifiers: MedGen C4310716, MONDO:0014917, OMIM 617106.

Submission:

Institute of Human Genetics, University of Leipzig Medical Center
Classification: Likely pathogenic for Developmental and epileptic encephalopathy, 42. Last evaluated: 2022-12-07. Review status: criteria provided, single submitter. Criteria: ACMG Guidelines, 2015. Collection method: clinical testing. Allele origin: unknown. Affected: yes.
Comment: _x000D_ Criteria applied: PVS1, PM2_SUP

NM_001127222.2(CACNA1A):c.1321C>T (p.Gln441Ter)

Gene: CACNA1A (calcium voltage-gated channel subunit alpha1 A; minus strand). Cytogenetic location: 19p13.13.
Variant type: single nucleotide variant.
Coding change: c.1321C>T on transcript NM_001127222.2 (MANE Select); coding-DNA position 1321, C replaced by T.
Protein change: p.Gln441Ter; replaces glutamine 441 with a stop codon.
Molecular consequence: nonsense.
Genome position (GRCh38, 1-based): chr19:13,330,268, G>A on the plus strand (C>T on the coding strand, the complement: CACNA1A is on the minus strand). VCF-style: chr19-13330268-G-A. GRCh37 (hg19) VCF-style: chr19-13441082-G-A.
Other names: c.1324C>T, p.Gln442Ter (NM_000068.4, NM_001127221.2, NM_001174080.2 and 1 more transcripts); short protein forms Q441*, Q442*.
Identifiers: ClinVar variation 1804157 (VCV001804157.1), dbSNP rs2513031100, ClinGen allele CA404346077.